The following is an entry in ClinVar:

ClinVar aggregate classification (germline): Pathogenic. Review status: criteria provided, multiple submitters, no conflicts (2 of 4 stars). 3 submissions from 3 submitters: Pathogenic (3). Last evaluated 2025-12-03.

Conditions:
Intellectual disability-severe speech delay-mild dysmorphism syndrome (IDDLA). Also called: Mental retardation with language impairment and autistic features; Intellectual developmental disorder with language impairment AND with or without autistic features; FOXP1 Syndrome. Identifiers: Orphanet 391372, MedGen C4013764, MONDO:0013352, OMIM 613670.

Submissions (3):

GeneDx
Classification: Pathogenic. Last evaluated: 2025-12-03. Review status: criteria provided, single submitter. Criteria: GeneDx Variant Classification Process June 2021. Collection method: clinical testing. Allele origin: germline. Affected: yes.
Comment: Not observed at significant frequency in large population cohorts (gnomAD); Nonsense variant predicted to result in protein truncation or nonsense mediated decay in a gene for which loss of function is a known mechanism of disease; This variant is associated with the following publications: (PMID: 33057194, 35982159, 34109629, 34588003, 38958063, 38123995)

Dasa
Classification: Pathogenic. Last evaluated: 2025-07-17. Review status: criteria provided, single submitter. Criteria: DASA Assertion Criteria. Collection method: clinical testing. Allele origin: germline.
Comment: NM_001349338.3(FOXP1):c.1489C>T (p.Arg497*) introduces a premature termination codon predicted to result in loss of normal protein function. Loss-of-function is an established mechanism of disease for this gene. De novo occurrence has been reported in an individual with related phenotype. This variant has been recurrently observed in individuals with related phenotype (PMID: 34109629; PMID: 34588003). The variant is present at low frequency in population datasets. Based on the available data, this variant is classified as pathogenic.

CeGaT Center for Human Genetics Tuebingen
Classification: Pathogenic. Last evaluated: 2019-09-01. Review status: criteria provided, single submitter. Criteria: CeGaT Center For Human Genetics Tuebingen Variant Classification Criteria Version 2. Collection method: clinical testing. Allele origin: germline. Affected: yes. Observed: 1 variant allele.

Literature cited by the submitters: PubMed 34109629 (cited by Dasa); PubMed 34588003 (cited by Dasa).

NM_001349338.3(FOXP1):c.1489C>T (p.Arg497Ter)

Genes: FOXP1 (forkhead box P1; minus strand), LOC126806714 (BRD4-independent group 4 enhancer GRCh37_chr3:71025197-71026396; plus strand). Cytogenetic location: 3p13.
Variant type: single nucleotide variant.
Coding change: c.1489C>T on transcript NM_001349338.3 (MANE Select); coding-DNA position 1489, C replaced by T.
Protein change: p.Arg497Ter; replaces arginine 497 with a stop codon.
Molecular consequence: nonsense. On other transcripts: non-coding transcript variant (2).
Genome position (GRCh38, 1-based): chr3:70,976,982, G>A on the plus strand (C>T on the coding strand, the complement: FOXP1 is on the minus strand). VCF-style: chr3-70976982-G-A. GRCh37 (hg19) VCF-style: chr3-71026133-G-A.
Other names: c.1486C>T, p.Arg496Ter (NM_001244808.3, NM_001349341.3); c.1489C>T, p.Arg497Ter (NM_001244810.2, NM_001244814.3, NM_001244816.2 and 2 more transcripts); c.1261C>T, p.Arg421Ter (NM_001244812.3); c.1189C>T, p.Arg397Ter (NM_001244813.3, NM_001244815.2, NM_001349342.3); c.1186C>T, p.Arg396Ter (NM_001349337.2, NM_001349343.3, NM_001349344.3 and 1 more transcripts); short protein forms R497*, R397*, R396*, R421*, R496*.
Identifiers: ClinVar variation 379850 (VCV000379850.48), dbSNP rs775136381, ClinGen allele CA16604635.